The following is an entry in ClinVar:

NM_005633.4(SOS1):c.2760G>A (p.Arg920=)

Gene: SOS1 (SOS Ras/Rac guanine nucleotide exchange factor 1; minus strand). Cytogenetic location: 2p22.1.
Variant type: single nucleotide variant.
Coding change: c.2760G>A on transcript NM_005633.4 (MANE Select); coding-DNA position 2760, G replaced by A.
Protein change: p.Arg920=; no amino-acid change (arginine 920 retained).
Molecular consequence: synonymous variant.
Genome position (GRCh38, 1-based): chr2:39,006,443, C>T on the plus strand (G>A on the coding strand, the complement: SOS1 is on the minus strand). VCF-style: chr2-39006443-C-T. GRCh37 (hg19) VCF-style: chr2-39233584-C-T.
Other names: p.R920R; p.R920R:AGG>AGA; NM_005633.3(SOS1):c.2760G>A; c.2739G>A, p.Arg913= (NM_001382394.1); c.2760G>A, p.Arg920= (NM_001382395.1).
Identifiers: ClinVar variation 40708 (VCV000040708.35), dbSNP rs149092581, ClinGen allele CA136108.
Genomic context (GRCh38, chr2:39,006,443, plus strand): 5'-GCAATAAAAATTCAGAAAGAAATACTTACCAAAGAAAGGCACACATGGTGGATTAATAGA[C>T]CTGAGTTTTGCCAAATATTTCTTATAGTGATCTTCACTCAATTCATGAGCTTCTTCTAAA-3'
Protein context (NP_005624.2, residues 910-930): DHYKKYLAKL[Arg920=]SINPPCVPFF

ClinVar aggregate classification (germline): Benign. Review status: reviewed by expert panel (3 of 4 stars). 14 submissions from 13 submitters: Benign (1). 13 of the submissions do not count toward it. Last evaluated 2017-04-18.

Conditions:
Noonan syndrome and Noonan-related syndrome. Identifiers: Orphanet 98733, MedGen C5681679, MONDO:0020297.
Cardiovascular phenotype. Identifiers: MedGen CN230736.
RASopathy. Also called: rasopathies; Noonan spectrum disorder. Identifiers: Orphanet 536391, MedGen C5555857, MONDO:0021060.
Noonan syndrome 4 (NS4). Also called: NOONAN SYNDROME WITH PIGMENTED VILLONODULAR SYNOVITIS; SOS1-Related Noonan Syndrome. Identifiers: Orphanet 648, MedGen C1853120, MONDO:0012547, OMIM 610733.
Fibromatosis, gingival, 1 (GINGF1). Identifiers: Orphanet 2024, MedGen C4551558, MONDO:0007609, OMIM 135300.

Allele frequency attached by ClinVar (database versions not stated): gnomAD exomes 0.00044 and 0.00088; gnomAD 0.00050 and 0.00051; TOPMed 0.00051; ESP Exome Variant Server 0.00054; ExAC 0.00067.
gnomAD v4.1: 757 of 1,582,942 alleles (0.048%); highest among the groups gnomAD compares: Admixed American, 0.04%; 7 homozygotes.

Submissions (14):

ClinGen RASopathy Variant Curation Expert Panel
Classification: Benign for Noonan syndrome and Noonan-related syndrome. Last evaluated: 2017-04-18. Review status: reviewed by expert panel. Criteria: ClinGen RASopathy ACMG Specifications v1. Collection method: curation. Allele origin: germline. Inheritance: Autosomal dominant inheritance.
Comment: The filtering allele frequency of the c.2760G>A (p.Arg920=) variant in the SOS1 gene is 0.098% (79/66592) of European chromosomes by the Exome Aggregation Consortium, which is a high enough frequency to be classified as benign based on thresholds defined by the ClinGen RASopathy Expert Panel (BA1; PMID:29493581)

Labcorp Genetics (formerly Invitae), Labcorp
Classification: Benign for RASopathy. Last evaluated: 2026-02-03. Review status: criteria provided, single submitter. Criteria: Invitae Variant Classification Sherloc (09022015). Collection method: clinical testing. Allele origin: germline. Not counted in ClinVar's aggregate classification.

CeGaT Center for Human Genetics Tuebingen
Classification: Likely benign. Last evaluated: 2025-10-01. Review status: criteria provided, single submitter. Criteria: CeGaT Center For Human Genetics Tuebingen Variant Classification Criteria Version 2. Collection method: clinical testing. Allele origin: germline. Affected: yes. Observed: 1 variant allele. Not counted in ClinVar's aggregate classification.
Comment: SOS1: BP4, BS1

Blueprint Genetics
Classification: Likely benign. Last evaluated: 2024-11-18. Review status: criteria provided, single submitter. Criteria: ACMG Guidelines, 2015. Collection method: clinical testing. Allele origin: germline. Not counted in ClinVar's aggregate classification.

Mayo Clinic Laboratories, Mayo Clinic
Classification: Benign. Last evaluated: 2023-05-02. Review status: criteria provided, single submitter. Criteria: ACMG Guidelines, 2015. Collection method: clinical testing. Allele origin: germline. Observed: 4 variant alleles. Not counted in ClinVar's aggregate classification.
Comment: BA1, BS1, BP4, BP7

Genome Diagnostics Laboratory, The Hospital for Sick Children
Classification: Benign for Noonan syndrome and Noonan-related syndrome. Last evaluated: 2019-07-01. Review status: criteria provided, single submitter. Criteria: ACMG Guidelines, 2015. Collection method: clinical testing. Allele origin: germline. Not counted in ClinVar's aggregate classification.

Ambry Genetics
Classification: Benign for Cardiovascular phenotype. Last evaluated: 2018-12-28. Review status: criteria provided, single submitter. Criteria: Ambry Variant Classification Scheme 2023. Collection method: clinical testing. Allele origin: germline. Not counted in ClinVar's aggregate classification.

Illumina Laboratory Services, Illumina
Classification: Benign for Fibromatosis, gingival, 1. Last evaluated: 2018-01-12. Review status: criteria provided, single submitter. Criteria: ICSL Variant Classification Criteria 13 December 2019. Collection method: clinical testing. Allele origin: germline. Not counted in ClinVar's aggregate classification.
Comment: This variant was observed in the ICSL laboratory as part of a predisposition screen in an ostensibly healthy population. It had not been previously curated by ICSL or reported in the Human Gene Mutation Database (HGMD: prior to June 1st, 2018), and was therefore a candidate for classification through an automated scoring system. Utilizing variant allele frequency, disease prevalence and penetrance estimates, and inheritance mode, an automated score was calculated to assess if this variant is too frequent to cause the disease. Based on the score and internal cut-off values, a variant classified as benign is not then subjected to further curation. The score for this variant resulted in a classification of benign for this disease.

Illumina Laboratory Services, Illumina
Classification: Uncertain significance for Noonan syndrome 4. Last evaluated: 2018-01-12. Review status: criteria provided, single submitter. Criteria: ICSL Variant Classification Criteria 13 December 2019. Collection method: clinical testing. Allele origin: germline. Not counted in ClinVar's aggregate classification.

Athena Diagnostics
Classification: Likely benign. Last evaluated: 2017-01-25. Review status: criteria provided, single submitter. Criteria: Athena Diagnostics Criteria. Collection method: clinical testing. Allele origin: germline. Not counted in ClinVar's aggregate classification.

GeneDx
Classification: Benign. Last evaluated: 2013-02-08. Review status: criteria provided, single submitter. Criteria: GeneDx Variant Classification (06012015). Collection method: clinical testing. Allele origin: germline. Affected: yes. Not counted in ClinVar's aggregate classification.
Comment: This variant is considered likely benign or benign based on one or more of the following criteria: it is a conservative change, it occurs at a poorly conserved position in the protein, it is predicted to be benign by multiple in silico algorithms, and/or has population frequency not consistent with disease.

Laboratory for Molecular Medicine, Mass General Brigham Personalized Medicine
Classification: Benign. Last evaluated: 2009-06-26. Review status: criteria provided, single submitter. Criteria: LMM Criteria. Collection method: clinical testing. Allele origin: germline. Observed: 5 variant alleles. Not counted in ClinVar's aggregate classification.

Breakthrough Genomics
Classification: Benign. Review status: criteria provided, single submitter. Criteria: ACMG Guidelines, 2015. Collection method: not provided. Allele origin: germline. Inheritance: Autosomal dominant inheritance. Affected: yes. Not counted in ClinVar's aggregate classification.

PreventionGenetics, part of Exact Sciences
Classification: Likely benign. Review status: criteria provided, single submitter. Criteria: ACMG Guidelines, 2015. Collection method: clinical testing. Allele origin: germline. Not counted in ClinVar's aggregate classification.